The following is an entry in ClinVar:

ClinVar aggregate classification (germline): Pathogenic/Likely pathogenic. Review status: criteria provided, multiple submitters, no conflicts (2 of 4 stars). 2 submissions from 2 submitters: Pathogenic (1); Likely pathogenic (1). Last evaluated 2024-03-27.

Conditions:
Focal segmental glomerulosclerosis 5 (FSGS5). Identifiers: Orphanet 656, MedGen C2750475, MONDO:0013191, OMIM 613237.
Charcot-Marie-Tooth disease dominant intermediate E. Also called: CHARCOT-MARIE-TOOTH NEUROPATHY WITH FOCAL SEGMENTAL GLOMERULONEPHRITIS. Identifiers: Orphanet 93114, MedGen C4302667, MONDO:0013758, OMIM 614455.

Allele frequency attached by ClinVar (database versions not stated): gnomAD exomes below 0.00001.
gnomAD v4.1: 1 of 1,607,596 alleles (0.000062%); highest among the groups gnomAD compares: Non-Finnish European, 0.000085%; no homozygotes.

Submissions (2):

Labcorp Genetics (formerly Invitae), Labcorp
Classification: Pathogenic for Charcot-Marie-Tooth disease dominant intermediate E; Focal segmental glomerulosclerosis 5. Last evaluated: 2024-03-27. Review status: criteria provided, single submitter. Criteria: Invitae Variant Classification Sherloc (09022015). Collection method: clinical testing. Allele origin: germline.
Comment: This sequence change replaces glycine, which is neutral and non-polar, with valine, which is neutral and non-polar, at codon 73 of the INF2 protein (p.Gly73Val). This variant is not present in population databases (gnomAD no frequency). This missense change has been observed in individual(s) with clinical features of INF2-related conditions (PMID: 31937884; Invitae). In at least one individual the variant was observed to be de novo. ClinVar contains an entry for this variant (Variation ID: 472842). Advanced modeling of protein sequence and biophysical properties (such as structural, functional, and spatial information, amino acid conservation, physicochemical variation, residue mobility, and thermodynamic stability) performed at Invitae indicates that this missense variant is expected to disrupt INF2 protein function with a positive predictive value of 95%. For these reasons, this variant has been classified as Pathogenic.

GeneDx
Classification: Likely pathogenic. Last evaluated: 2024-03-11. Review status: criteria provided, single submitter. Criteria: GeneDx Variant Classification Process June 2021. Collection method: clinical testing. Allele origin: germline. Affected: yes.
Comment: In silico analysis supports that this missense variant has a deleterious effect on protein structure/function; Not observed at significant frequency in large population cohorts (gnomAD); This variant is associated with the following publications: (PMID: 31937884, 37491439, 22965130, Fujii2023[casereport], 23014460, 31096240)

Literature cited by the submitters: PubMed 31937884 (cited by Labcorp Genetics (formerly Invitae), Labcorp).

NM_022489.4(INF2):c.218G>T (p.Gly73Val)

Gene: INF2 (inverted formin 2; plus strand). Cytogenetic location: 14q32.33.
Variant type: single nucleotide variant.
Coding change: c.218G>T on transcript NM_022489.4 (MANE Select); coding-DNA position 218, G replaced by T.
Protein change: p.Gly73Val; replaces glycine 73 with valine.
Molecular consequence: missense variant.
Genome position (GRCh38, 1-based): chr14:104,701,583, G>T. VCF-style: chr14-104701583-G-T. GRCh37 (hg19) VCF-style: chr14-105167920-G-T.
Other names: c.218G>T, p.Gly73Val (NM_001031714.4, NM_032714.3); short protein forms G73V.
Identifiers: ClinVar variation 472842 (VCV000472842.11), dbSNP rs918089359, ClinGen allele CA267330465.
Genomic context (GRCh38, chr14:104,701,583, plus strand): 5'-TGCGCAAGCGCCTGGAGGGCAGCGACGGCGGCTGGATGGTGCAGTTCCTGGAGCAGAGCG[G>T]CCTGGACCTGCTGCTGGAGGCGCTGGCGCGGCTGTCGGGCCGCGGCGTTGCACGTATCTC-3'
Protein context (NP_071934.3, residues 63-83): GWMVQFLEQS[Gly73Val]LDLLLEALAR